The following is an entry in ClinVar:

ClinVar aggregate classification (germline): Uncertain significance (1 of 4 stars; one submission).

Conditions:
CECR2-related neurodevelopmental disorder.

gnomAD v4.1: 1 of 1,613,890 alleles (0.000062%); highest among the groups gnomAD compares: Non-Finnish European, 0.000085%; no homozygotes.

Submission:

Center for Statistical Genetics, Columbia University
Classification: Uncertain significance for CECR2-related neurodevelopmental disorder. Last evaluated: 2025-07-28. Review status: criteria provided, single submitter. Criteria: ACMG Guidelines, 2015. Collection method: research. Allele origin: germline. Affected: yes.
Comment: Heterozygous variant of unknown inheritance.

NM_001290047.2(CECR2):c.4283A>G (p.Gln1428Arg)

Gene: CECR2 (CECR2 histone acetyl-lysine reader; plus strand). Cytogenetic location: 22q11.21.
Variant type: single nucleotide variant.
Coding change: c.4283A>G on transcript NM_001290047.2 (MANE Select); coding-DNA position 4283, A replaced by G.
Protein change: p.Gln1428Arg; replaces glutamine 1428 with arginine.
Molecular consequence: missense variant.
Genome position (GRCh38, 1-based): chr22:17,552,036, A>G. VCF-style: chr22-17552036-A-G. GRCh37 (hg19) VCF-style: chr22-18031721-A-G.
Other names: p.(Gln1428Arg); c.3791A>G, p.Gln1264Arg (NM_001290046.2); short protein forms Q1264R, Q1428R.
Identifiers: ClinVar variation 4073548 (VCV004073548.1).